The following is an entry in ClinVar:

ClinVar aggregate classification (germline): Uncertain significance (1 of 4 stars; one submission).

Conditions:
Gingival disorder. Also called: Gingival disease. Identifiers: MedGen C0017563, MONDO:0002021.

Allele frequency attached by ClinVar (database versions not stated): gnomAD exomes below 0.00001; TOPMed 0.00002.
gnomAD v4.1: 2 of 1,614,180 alleles (0.00012%); highest among the groups gnomAD compares: Non-Finnish European, 0.00017%; no homozygotes.

Submission:

Labcorp Genetics (formerly Invitae), Labcorp
Classification: Uncertain significance for Gingival disorder. Last evaluated: 2024-12-03. Review status: criteria provided, single submitter. Criteria: Invitae Variant Classification Sherloc (09022015). Collection method: clinical testing. Allele origin: germline.
Comment: This sequence change replaces glycine, which is neutral and non-polar, with valine, which is neutral and non-polar, at codon 305 of the FPR1 protein (p.Gly305Val). This variant is present in population databases (no rsID available, gnomAD 0.006%). This variant has not been reported in the literature in individuals affected with FPR1-related conditions. ClinVar contains an entry for this variant (Variation ID: 2166249). An algorithm developed to predict the effect of missense changes on protein structure and function (PolyPhen-2) suggests that this variant is likely to be disruptive. In summary, the available evidence is currently insufficient to determine the role of this variant in disease. Therefore, it has been classified as a Variant of Uncertain Significance.

NM_002029.4(FPR1):c.914G>T (p.Gly305Val)

Gene: FPR1 (formyl peptide receptor 1; minus strand). Cytogenetic location: 19q13.41.
Variant type: single nucleotide variant.
Coding change: c.914G>T on transcript NM_002029.4 (MANE Select); coding-DNA position 914, G replaced by T.
Protein change: p.Gly305Val; replaces glycine 305 with valine.
Molecular consequence: missense variant.
Genome position (GRCh38, 1-based): chr19:51,746,081, C>A on the plus strand (G>T on the coding strand, the complement: FPR1 is on the minus strand). VCF-style: chr19-51746081-C-A. GRCh37 (hg19) VCF-style: chr19-52249334-C-A.
Other names: c.914G>T, p.Gly305Val (NM_001193306.2); short protein forms G305V.
Identifiers: ClinVar variation 2166249 (VCV002166249.4), dbSNP rs1183171485, ClinGen allele CA407115076.
Genomic context (GRCh38, chr19:51,746,081, plus strand): 5'-GTCAGGGCCCTCTCCAGACTGGCGGGAAGGGCGTGGATCAGCCTCTCCCGGAAGTCCTGG[C>A]CCATGAAGACATAGAGCATGGGGTTGAGGCAGCTGTTGAAGAAGGCCAGGGCACTTGTCA-3'
Protein context (NP_002020.1, residues 295-315): CLNPMLYVFM[Gly305Val]QDFRERLIHA